The following is an entry in ClinVar:

NM_001111125.3(IQSEC2):c.2513G>A (p.Arg838Gln)

Gene: IQSEC2 (IQ motif and Sec7 domain ArfGEF 2; minus strand). Cytogenetic location: Xp11.22.
Variant type: single nucleotide variant.
Coding change: c.2513G>A on transcript NM_001111125.3 (MANE Select); coding-DNA position 2513, G replaced by A.
Protein change: p.Arg838Gln; replaces arginine 838 with glutamine.
Molecular consequence: missense variant.
Genome position (GRCh38, 1-based): chrX:53,248,183, C>T on the plus strand (G>A on the coding strand, the complement: IQSEC2 is on the minus strand). VCF-style: chrX-53248183-C-T. GRCh37 (hg19) VCF-style: chrX-53277365-C-T.
Other names: c.1898G>A, p.Arg633Gln (NM_015075.2); short protein forms R633Q, R838Q.
Identifiers: ClinVar variation 985878 (VCV000985878.4), dbSNP rs2074336085, ClinGen allele CA413157155.

ClinVar aggregate classification (germline): Uncertain significance (1 of 4 stars; one submission).

Conditions:
Inborn genetic diseases. Identifiers: MedGen C0950123, MeSH D030342.

Allele frequency attached by ClinVar (database versions not stated): gnomAD exomes below 0.00001.

Submission:

Ambry Genetics
Classification: Uncertain significance for Inborn genetic diseases. Last evaluated: 2020-11-16. Review status: criteria provided, single submitter. Criteria: Ambry Variant Classification Scheme 2023. Collection method: clinical testing. Allele origin: germline.
Comment: The c.2513G>A (p.R838Q) alteration is located in coding exon 7 of the IQSEC2 gene. This alteration results from a G to A substitution at nucleotide position 2513, causing the arginine (R) at amino acid position 838 to be replaced by a glutamine (Q). Based on data from the Genome Aggregation Database (gnomAD), the IQSEC2 c.2513G>A alteration alteration was not observed, with coverage at this position. The p.R838 amino acid is conserved in available vertebrate species. The p.R838Q alteration is predicted to be deleterious by in silico analysis. Based on insufficient or conflicting evidence, the clinical significance of this alteration remains unclear.